The following is an entry in ClinVar:

ClinVar aggregate classification (germline): Pathogenic (1 of 4 stars; one submission).

Conditions:
Birt-Hogg-Dube syndrome. Also called: Birt Hogg Dubé syndrome. Identifiers: Orphanet 122, MedGen C0346010, MONDO:0800444.

Allele frequency attached by ClinVar (database versions not stated): gnomAD exomes below 0.00001; ExAC 0.00001; gnomAD 0.00001.
gnomAD v4.1: 1 of 1,614,034 alleles (0.000062%); highest among the groups gnomAD compares: Non-Finnish European, 0.000085%; no homozygotes.

Submission:

Labcorp Genetics (formerly Invitae), Labcorp
Classification: Pathogenic for Birt-Hogg-Dube syndrome. Last evaluated: 2022-01-27. Review status: criteria provided, single submitter. Criteria: Invitae Variant Classification Sherloc (09022015). Collection method: clinical testing. Allele origin: germline.
Comment: For these reasons, this variant has been classified as Pathogenic. Algorithms developed to predict the effect of sequence changes on RNA splicing suggest that this variant may disrupt the consensus splice site. Disruption of this splice site has been observed in individual(s) with clinical features of Birt-Hogg-Dubé syndrome (PMID: 18234728, 26689913; Invitae). This variant is present in population databases (rs755959303, gnomAD 0.0009%). This sequence change affects a donor splice site in intron 12 of the FLCN gene. It is expected to disrupt RNA splicing. Variants that disrupt the donor or acceptor splice site typically lead to a loss of protein function (PMID: 16199547), and loss-of-function variants in FLCN are known to be pathogenic (PMID: 15852235).

Literature cited by the submitters: PubMed 18234728; PubMed 26689913; PubMed 16199547; PubMed 15852235.

NM_144997.7(FLCN):c.1432+1G>C

Gene: FLCN (folliculin; minus strand). Cytogenetic location: 17p11.2.
Variant type: single nucleotide variant.
Coding change: c.1432+1G>C on transcript NM_144997.7 (MANE Select); the canonical splice donor site of the intron after coding-DNA position 1432, G replaced by C.
Molecular consequence: splice donor variant.
Genome position (GRCh38, 1-based): chr17:17,215,184, C>G on the plus strand (G>C on the coding strand, the complement: FLCN is on the minus strand). VCF-style: chr17-17215184-C-G. GRCh37 (hg19) VCF-style: chr17-17118498-C-G.
Other names: c.1432+1G>C (NM_001353231.2, NM_001353230.2); c.1486+1G>C (NM_001353229.2).
Identifiers: ClinVar variation 1485575 (VCV001485575.8), dbSNP rs755959303, ClinGen allele CA8416003.
Genomic context (GRCh38, chr17:17,215,184, plus strand): 5'-GCGTTAGCGCGGGGCGGGGGCATCTTCTCACAAAAAGGACACTCTGCCTGGGGGCACCCA[C>G]CTCGGTCTGCAGCTACAGGGCTCCCACTGGTCACCACAAACTCGTACTTGCTGAGAGACT-3'